The following is an entry in ClinVar:

ClinVar aggregate classification (germline): Uncertain significance (1 of 4 stars; one submission).

gnomAD v4.1: 1 of 1,612,012 alleles (0.000062%); highest among the groups gnomAD compares: Non-Finnish European, 0.000085%; no homozygotes.

Submission:

Labcorp Genetics (formerly Invitae), Labcorp
Classification: Uncertain significance. Last evaluated: 2024-11-13. Review status: criteria provided, single submitter. Criteria: Invitae Variant Classification Sherloc (09022015). Collection method: clinical testing. Allele origin: germline.
Comment: This sequence change falls in intron 25 of the ACACA gene. It does not directly change the encoded amino acid sequence of the ACACA protein. This variant is present in population databases (rs768671129, gnomAD 0.002%). This variant has not been reported in the literature in individuals affected with ACACA-related conditions. Algorithms developed to predict the effect of sequence changes on RNA splicing suggest that this variant may create or strengthen a splice site. In summary, the available evidence is currently insufficient to determine the role of this variant in disease. Therefore, it has been classified as a Variant of Uncertain Significance.

NM_198834.3(ACACA):c.2743-18C>G

Gene: ACACA (acetyl-CoA carboxylase alpha; minus strand). Cytogenetic location: 17q12.
Variant type: single nucleotide variant.
Coding change: c.2743-18C>G on transcript NM_198834.3 (MANE Select); 18 bases into the intron before coding-DNA position 2743, C replaced by G.
Molecular consequence: intron variant.
Genome position (GRCh38, 1-based): chr17:37,243,577, G>C on the plus strand (C>G on the coding strand, the complement: ACACA is on the minus strand). VCF-style: chr17-37243577-G-C. GRCh37 (hg19) VCF-style: chr17-35600493-G-C.
Other names: c.2632-18C>G (NM_198839.3, NM_198836.3); c.2458-18C>G (NM_198837.2); c.2398-18C>G (NM_198838.2).
Identifiers: ClinVar variation 3681351 (VCV003681351.2).
Genomic context (GRCh38, chr17:37,243,577, plus strand): 5'-GATCTCTGAGGGTTTTCATCAATCGCTCTACCCAGTCTTTTACCTAGAAAGAAAGCATTG[G>C]TAAAATAGGACCCAAGTTAACACAATCCCCCAAATAAAAAGATATATAGTTGTCATTCTG-3'